The following is an entry in ClinVar:

NM_001369.3(DNAH5):c.7276C>T (p.Gln2426Ter)

Gene: DNAH5 (dynein axonemal heavy chain 5; minus strand). Cytogenetic location: 5p15.2.
Variant type: single nucleotide variant.
Coding change: c.7276C>T on transcript NM_001369.3 (MANE Select); coding-DNA position 7276, C replaced by T.
Protein change: p.Gln2426Ter; replaces glutamine 2426 with a stop codon.
Molecular consequence: nonsense.
Genome position (GRCh38, 1-based): chr5:13,811,778, G>A on the plus strand (C>T on the coding strand, the complement: DNAH5 is on the minus strand). VCF-style: chr5-13811778-G-A. GRCh37 (hg19) VCF-style: chr5-13811887-G-A.
Other names: short protein forms Q2426*.
Identifiers: ClinVar variation 964432 (VCV000964432.8), dbSNP rs1760754570, ClinGen allele CA359189498.

ClinVar aggregate classification (germline): Pathogenic (1 of 4 stars; one submission).

Conditions:
Primary ciliary dyskinesia. Also called: Ciliary dyskinesia. Identifiers: Orphanet 244, MedGen C0008780, MONDO:0016575, HP:0012265.

Allele frequency attached by ClinVar (database versions not stated): gnomAD exomes below 0.00001.
gnomAD v4.1: 1 of 1,614,136 alleles (0.000062%); highest among the groups gnomAD compares: Non-Finnish European, 0.000085%; no homozygotes.

Submission:

Labcorp Genetics (formerly Invitae), Labcorp
Classification: Pathogenic for Primary ciliary dyskinesia. Last evaluated: 2019-07-30. Review status: criteria provided, single submitter. Criteria: Invitae Variant Classification Sherloc (09022015). Collection method: clinical testing. Allele origin: germline.
Comment: This variant is not present in population databases (ExAC no frequency). This variant has not been reported in the literature in individuals with DNAH5-related conditions. Loss-of-function variants in DNAH5 are known to be pathogenic (PMID: 11788826, 16627867). For these reasons, this variant has been classified as Pathogenic. This sequence change creates a premature translational stop signal (p.Gln2426*) in the DNAH5 gene. It is expected to result in an absent or disrupted protein product.

Literature cited by the submitters: PubMed 11788826; PubMed 16627867.